The following is an entry in ClinVar:

NM_004655.4(AXIN2):c.1212A>C (p.Arg404Ser)

Gene: AXIN2 (axin 2; minus strand). Cytogenetic location: 17q24.1.
Variant type: single nucleotide variant.
Coding change: c.1212A>C on transcript NM_004655.4 (MANE Select); coding-DNA position 1212, A replaced by C.
Protein change: p.Arg404Ser; replaces arginine 404 with serine.
Molecular consequence: missense variant.
Genome position (GRCh38, 1-based): chr17:65,537,824, T>G on the plus strand (A>C on the coding strand, the complement: AXIN2 is on the minus strand). VCF-style: chr17-65537824-T-G. GRCh37 (hg19) VCF-style: chr17-63533942-T-G.
Other names: c.1212A>C, p.Arg404Ser (NM_001363813.1); short protein forms R404S.
Identifiers: ClinVar variation 3224352 (VCV003224352.1), dbSNP rs1598099779, ClinGen allele CA400677954.
Genomic context (GRCh38, chr17:65,537,824, plus strand): 5'-GGAGAGGGGGTGCTGCGTGGGCGCCCCCTCCCGCGAATTGAGTGTGAGCTCGGAGCCCTC[T>G]CTCTCTTCATCCTGAAAGGGAAGACGTCAGAAGGAGAAGTGACCCAGGAAGCAGAAGGGC-3'
Protein context (NP_004646.3, residues 394-414): RLQQIREDEE[Arg404Ser]EGSELTLNSR

ClinVar aggregate classification (germline): Uncertain significance (1 of 4 stars; one submission).

Conditions:
Hereditary cancer-predisposing syndrome. Also called: Tumor predisposition; Hereditary neoplastic syndrome; Hereditary Cancer Syndrome; Neoplastic Syndromes, Hereditary. Identifiers: Orphanet 140162, MedGen C0027672, MeSH D009386, MONDO:0015356.

Submission:

Ambry Genetics
Classification: Uncertain significance for Hereditary cancer-predisposing syndrome. Last evaluated: 2023-11-08. Review status: criteria provided, single submitter. Criteria: Ambry Variant Classification Scheme 2023. Collection method: clinical testing. Allele origin: germline.
Comment: The p.R404S variant (also known as c.1212A>C), located in coding exon 5 of the AXIN2 gene, results from an A to C substitution at nucleotide position 1212. The arginine at codon 404 is replaced by serine, an amino acid with dissimilar properties. This amino acid position is conserved. In addition, this alteration is predicted to be tolerated by in silico analysis. Since supporting evidence is limited at this time, the clinical significance of this alteration remains unclear.